The following is an entry in ClinVar:

NM_005505.5(SCARB1):c.499G>A (p.Gly167Ser)

Gene: SCARB1 (scavenger receptor class B member 1; minus strand). Cytogenetic location: 12q24.31.
Variant type: single nucleotide variant.
Coding change: c.499G>A on transcript NM_005505.5 (MANE Select); coding-DNA position 499, G replaced by A.
Protein change: p.Gly167Ser; replaces glycine 167 with serine.
Molecular consequence: missense variant. On other transcripts: non-coding transcript variant (9).
Genome position (GRCh38, 1-based): chr12:124,814,333, C>T on the plus strand (G>A on the coding strand, the complement: SCARB1 is on the minus strand). VCF-style: chr12-124814333-C-T. GRCh37 (hg19) VCF-style: chr12-125298879-C-T.
Other names: c.499G>A, p.Gly167Ser (NM_001082959.2, NM_001367981.1, NM_001367983.1 and 6 more transcripts); c.376G>A, p.Gly126Ser (NM_001367982.1); short protein forms G126S, G167S.
Identifiers: ClinVar variation 1431573 (VCV001431573.8), dbSNP rs199588922, ClinGen allele CA6870523.

ClinVar aggregate classification (germline): Uncertain significance (1 of 4 stars; one submission).

Allele frequency attached by ClinVar (database versions not stated): 1000 Genomes Project 30x 0.00016; 1000 Genomes Project 0.00020.
gnomAD v4.1: 103 of 1,614,144 alleles (0.0064%); highest among the groups gnomAD compares: Middle Eastern, 0.066%; no homozygotes.

Submission:

Labcorp Genetics (formerly Invitae), Labcorp
Classification: Uncertain significance. Last evaluated: 2025-10-13. Review status: criteria provided, single submitter. Criteria: Invitae Variant Classification Sherloc (09022015). Collection method: clinical testing. Allele origin: germline.
Comment: This sequence change replaces glycine, which is neutral and non-polar, with serine, which is neutral and polar, at codon 167 of the SCARB1 protein (p.Gly167Ser). This variant is present in population databases (rs199588922, gnomAD 0.03%). This variant has not been reported in the literature in individuals affected with SCARB1-related conditions. ClinVar contains an entry for this variant (Variation ID: 1431573). Invitae Evidence Modeling of protein sequence and biophysical properties (such as structural, functional, and spatial information, amino acid conservation, physicochemical variation, residue mobility, and thermodynamic stability) indicates that this missense variant is not expected to disrupt SCARB1 protein function with a negative predictive value of 80%. In summary, the available evidence is currently insufficient to determine the role of this variant in disease. Therefore, it has been classified as a Variant of Uncertain Significance.